The following is an entry in ClinVar:

ClinVar aggregate classification (germline): Uncertain significance (1 of 4 stars; one submission).

gnomAD v4.1: 21 of 1,443,950 alleles (0.0015%); highest among the groups gnomAD compares: African/African-American, 0.007%; no homozygotes.

Submission:

GeneDx
Classification: Uncertain significance. Last evaluated: 2024-08-29. Review status: criteria provided, single submitter. Criteria: GeneDx Variant Classification Process June 2021. Collection method: clinical testing. Allele origin: germline. Affected: yes.
Comment: In silico analysis indicates that this missense variant does not alter protein structure/function; Has not been previously published as pathogenic or benign to our knowledge

NM_004667.6(HERC2):c.4876G>A (p.Val1626Met)

Gene: HERC2 (HECT and RLD domain containing E3 ubiquitin protein ligase 2; minus strand). Cytogenetic location: 15q13.1.
Variant type: single nucleotide variant.
Coding change: c.4876G>A on transcript NM_004667.6 (MANE Select); coding-DNA position 4876, G replaced by A.
Protein change: p.Val1626Met; replaces valine 1626 with methionine.
Molecular consequence: missense variant.
Genome position (GRCh38, 1-based): chr15:28,229,781, C>T on the plus strand (G>A on the coding strand, the complement: HERC2 is on the minus strand). VCF-style: chr15-28229781-C-T. GRCh37 (hg19) VCF-style: chr15-28474927-C-T.
Other names: short protein forms V1626M.
Identifiers: ClinVar variation 3767704 (VCV003767704.1).